The following is an entry in ClinVar:

NM_001135651.3(EIF2AK2):c.1130G>T (p.Trp377Leu)

Gene: EIF2AK2 (eukaryotic translation initiation factor 2 alpha kinase 2; minus strand). Cytogenetic location: 2p22.2.
Variant type: single nucleotide variant.
Coding change: c.1130G>T on transcript NM_001135651.3 (MANE Select); coding-DNA position 1130, G replaced by T.
Protein change: p.Trp377Leu; replaces tryptophan 377 with leucine.
Molecular consequence: missense variant.
Genome position (GRCh38, 1-based): chr2:37,120,077, C>A on the plus strand (G>T on the coding strand, the complement: EIF2AK2 is on the minus strand). VCF-style: chr2-37120077-C-A. GRCh37 (hg19) VCF-style: chr2-37347220-C-A.
Other names: c.1007G>T, p.Trp336Leu (NM_001135652.3); c.1130G>T, p.Trp377Leu (NM_002759.4); short protein forms W336L, W377L.
Identifiers: ClinVar variation 1806794 (VCV001806794.4), dbSNP rs1404726266, ClinGen allele CA346303996.
Genomic context (GRCh38, chr2:37,120,077, plus strand): 5'-TGTTCAAAGAGTTCCAAAGCCAAAACTTTGTCTAGTTTCTCGCCTCTTCTTTTTTCAATC[C>A]ATTGTTCCAAGGTCCCTTTATCACAGAATTCCATTTGGATGAAAAGGCACTTAGTCTTTG-3'
Protein context (NP_001129123.1, residues 367-387): EFCDKGTLEQ[Trp377Leu]IEKRRGEKLD

ClinVar aggregate classification (germline): Uncertain significance. Review status: criteria provided, multiple submitters, no conflicts (2 of 4 stars). 2 submissions from 2 submitters: Uncertain significance (2). Last evaluated 2025-04-20.

Conditions:
Inborn genetic diseases. Identifiers: MedGen C0950123, MeSH D030342.

Allele frequency attached by ClinVar (database versions not stated): gnomAD exomes below 0.00001.
gnomAD v4.1: 2 of 1,531,978 alleles (0.00013%); highest among the groups gnomAD compares: Non-Finnish European, 0.00018%; no homozygotes.

Submissions (2):

Ambry Genetics
Classification: Uncertain significance for Inborn genetic diseases. Last evaluated: 2025-04-20. Review status: criteria provided, single submitter. Criteria: Ambry Variant Classification Scheme 2023. Collection method: clinical testing. Allele origin: germline.

GeneDx
Classification: Uncertain significance. Last evaluated: 2023-08-08. Review status: criteria provided, single submitter. Criteria: GeneDx Variant Classification Process June 2021. Collection method: clinical testing. Allele origin: germline. Affected: yes.
Comment: Not observed at significant frequency in large population cohorts (gnomAD); In silico analysis supports that this missense variant has a deleterious effect on protein structure/function; Has not been previously published as pathogenic or benign to our knowledge